The following is an entry in ClinVar:

NM_130839.5(UBE3A):c.1894A>G (p.Met632Val)

Genes: SNHG14 (small nucleolar RNA host gene 14; plus strand), UBE3A (ubiquitin protein ligase E3A; minus strand). Cytogenetic location: 15q11.2.
Variant type: single nucleotide variant.
Coding change: c.1894A>G on transcript NM_130839.5 (MANE Select); coding-DNA position 1894, A replaced by G.
Protein change: p.Met632Val; replaces methionine 632 with valine.
Molecular consequence: missense variant. On other transcripts: non-coding transcript variant (1).
Genome position (GRCh38, 1-based): chr15:25,356,756, T>C on the plus strand (A>G on the coding strand, the complement: UBE3A is on the minus strand). VCF-style: chr15-25356756-T-C. GRCh37 (hg19) VCF-style: chr15-25601903-T-C.
Other names: c.1903A>G, p.Met635Val (NM_000462.5); c.1894A>G, p.Met632Val (NM_001354505.1, NM_001354538.2, NM_001354545.2); c.1834A>G, p.Met612Val (NM_001354506.2, NM_001354507.2, NM_001354508.2 and 17 more transcripts); c.1717A>G, p.Met573Val (NM_001354546.2); c.643A>G, p.Met215Val (NM_001354550.2); c.583A>G, p.Met195Val (NM_001354551.2); short protein forms M635V, M215V, M573V, M632V, M195V, M612V.
Identifiers: ClinVar variation 1508160 (VCV001508160.8), dbSNP rs2152700582, ClinGen allele CA391352520.

ClinVar aggregate classification (germline): Uncertain significance (1 of 4 stars; one submission).

Conditions:
Angelman syndrome (AS). Also called: HAPPY PUPPET SYNDROME. Identifiers: Orphanet 72, MedGen C0162635, MONDO:0007113, OMIM 105830. Disease mechanism: loss of function. Inheritance: AS is caused by disruption of maternally imprinted UBE3A located within the 15q11.2-q13 Angelman syndrome/Prader-Willi syndrome (AS/PWS) region., imprinting disorder.

Submission:

Labcorp Genetics (formerly Invitae), Labcorp
Classification: Uncertain significance for Angelman syndrome. Last evaluated: 2022-06-27. Review status: criteria provided, single submitter. Criteria: Invitae Variant Classification Sherloc (09022015). Collection method: clinical testing. Allele origin: germline.
Comment: In summary, the available evidence is currently insufficient to determine the role of this variant in disease. Therefore, it has been classified as a Variant of Uncertain Significance. This variant is not present in population databases (gnomAD no frequency). Algorithms developed to predict the effect of missense changes on protein structure and function are either unavailable or do not agree on the potential impact of this missense change (SIFT: "Not Available"; PolyPhen-2: "Possibly Damaging"; Align-GVGD: "Not Available"). This variant has not been reported in the literature in individuals affected with UBE3A-related conditions. This sequence change replaces methionine with valine at codon 612 of the UBE3A protein (p.Met612Val). The methionine residue is highly conserved and there is a small physicochemical difference between methionine and valine.